The following is an entry in ClinVar:

NM_006514.4(SCN10A):c.4016G>T (p.Gly1339Val)

Gene: SCN10A (sodium voltage-gated channel alpha subunit 10; minus strand). Cytogenetic location: 3p22.2.
Variant type: single nucleotide variant.
Coding change: c.4016G>T on transcript NM_006514.4 (MANE Select); coding-DNA position 4016, G replaced by T.
Protein change: p.Gly1339Val; replaces glycine 1339 with valine.
Molecular consequence: missense variant.
Genome position (GRCh38, 1-based): chr3:38,712,234, C>A on the plus strand (G>T on the coding strand, the complement: SCN10A is on the minus strand). VCF-style: chr3-38712234-C-A. GRCh37 (hg19) VCF-style: chr3-38753725-C-A.
Other names: c.4016G>T (NM_006514.2); c.4013G>T, p.Gly1338Val (NM_001293306.2); c.3722G>T, p.Gly1241Val (NM_001293307.2); short protein forms G1241V, G1339V, G1338V.
Identifiers: ClinVar variation 1521535 (VCV001521535.10), dbSNP rs1191498319, ClinGen allele CA352150789.

ClinVar aggregate classification (germline): Uncertain significance. Review status: criteria provided, multiple submitters, no conflicts (2 of 4 stars). 3 submissions from 3 submitters: Uncertain significance (3). Last evaluated 2025-06-10.

Conditions:
Brugada syndrome. Also called: Sudden unexpected nocturnal death syndrome; Sudden Unexplained Nocturnal Death Syndrome (SUNDS); Sudden Unexplained Death Syndrome; Sudden unexplained nocturnal death syndrome. Identifiers: Orphanet 130, MedGen C1142166, MONDO:0015263.
Cardiovascular phenotype. Identifiers: MedGen CN230736.

Allele frequency attached by ClinVar (database versions not stated): gnomAD 0.00001; gnomAD exomes 0.00004.
gnomAD v4.1: 31 of 1,614,040 alleles (0.0019%); highest among the groups gnomAD compares: Non-Finnish European, 0.0026%; no homozygotes.

Submissions (3):

GeneDx
Classification: Uncertain significance. Last evaluated: 2025-06-10. Review status: criteria provided, single submitter. Criteria: GeneDx Variant Classification Process June 2021. Collection method: clinical testing. Allele origin: germline. Affected: yes.
Comment: Not observed at significant frequency in large population cohorts (gnomAD); In silico analysis supports that this missense variant has a deleterious effect on protein structure/function; Identified in individual(s) deceased from sudden unexplained death (PMID: 29247119); This variant is associated with the following publications: (PMID: 29247119)

Labcorp Genetics (formerly Invitae), Labcorp
Classification: Uncertain significance for Brugada syndrome. Last evaluated: 2024-11-12. Review status: criteria provided, single submitter. Criteria: Invitae Variant Classification Sherloc (09022015). Collection method: clinical testing. Allele origin: germline.
Comment: This sequence change replaces glycine, which is neutral and non-polar, with valine, which is neutral and non-polar, at codon 1339 of the SCN10A protein (p.Gly1339Val). This variant is present in population databases (no rsID available, gnomAD 0.007%). This variant has not been reported in the literature in individuals affected with SCN10A-related conditions. ClinVar contains an entry for this variant (Variation ID: 1521535). Invitae Evidence Modeling of protein sequence and biophysical properties (such as structural, functional, and spatial information, amino acid conservation, physicochemical variation, residue mobility, and thermodynamic stability) indicates that this missense variant is not expected to disrupt SCN10A protein function with a negative predictive value of 80%. In summary, the available evidence is currently insufficient to determine the role of this variant in disease. Therefore, it has been classified as a Variant of Uncertain Significance.

Ambry Genetics
Classification: Uncertain significance for Cardiovascular phenotype. Last evaluated: 2023-08-31. Review status: criteria provided, single submitter. Criteria: Ambry Variant Classification Scheme 2023. Collection method: clinical testing. Allele origin: germline.
Comment: The p.G1339V variant (also known as c.4016G>T), located in coding exon 22 of the SCN10A gene, results from a G to T substitution at nucleotide position 4016. The glycine at codon 1339 is replaced by valine, an amino acid with dissimilar properties. This alteration has been reported in a sudden unexplained death cohort (Lin Y et al. Circ Cardiovasc Genet, 2017 Dec;10:). This amino acid position is not well conserved in available vertebrate species. In addition, the in silico prediction for this alteration is inconclusive. The evidence for this gene-disease relationship is limited; therefore, the clinical significance of this alteration is unclear.

Literature cited by the submitters: PubMed 29247119 (cited by Ambry Genetics).